The following is an entry in ClinVar:

ClinVar aggregate classification (germline): Uncertain significance. Review status: criteria provided, multiple submitters, no conflicts (2 of 4 stars). 2 submissions from 2 submitters: Uncertain significance (2). Last evaluated 2022-06-15.

Conditions:
Complex neurodevelopmental disorder. Identifiers: Orphanet 528084, MedGen C5568766, MONDO:0100038.
Inborn genetic diseases. Identifiers: MedGen C0950123, MeSH D030342.
Developmental and epileptic encephalopathy, 11 (DEE11). Also called: Early infantile epileptic encephalopathy 11. Identifiers: Orphanet 1934, MedGen C3150987, MONDO:0013388, OMIM 613721.
Seizures, benign familial infantile, 3 (BFIS3). Also called: Familial neonatal seizures; CONVULSIONS, BENIGN FAMILIAL INFANTILE, 3. Identifiers: Orphanet 140927, Orphanet 306, MedGen C1843140, MONDO:0011904, OMIM 607745.

Allele frequency attached by ClinVar (database versions not stated): gnomAD exomes below 0.00001; ExAC 0.00001.
gnomAD v4.1: 2 of 1,614,032 alleles (0.00012%); highest among the groups gnomAD compares: Non-Finnish European, 0.00017%; no homozygotes.

Submissions (2):

Labcorp Genetics (formerly Invitae), Labcorp
Classification: Uncertain significance for Seizures, benign familial infantile, 3; Developmental and epileptic encephalopathy, 11. Last evaluated: 2022-06-15. Review status: criteria provided, single submitter. Criteria: Invitae Variant Classification Sherloc (09022015). Collection method: clinical testing. Allele origin: germline.
Comment: This sequence change replaces alanine, which is neutral and non-polar, with valine, which is neutral and non-polar, at codon 1245 of the SCN2A protein (p.Ala1245Val). This variant is present in population databases (rs768796023, gnomAD 0.0009%). This variant has not been reported in the literature in individuals affected with SCN2A-related conditions. ClinVar contains an entry for this variant (Variation ID: 521077). Algorithms developed to predict the effect of missense changes on protein structure and function are either unavailable or do not agree on the potential impact of this missense change (SIFT: "Deleterious"; PolyPhen-2: "Probably Damaging"; Align-GVGD: "Class C0"). In summary, the available evidence is currently insufficient to determine the role of this variant in disease. Therefore, it has been classified as a Variant of Uncertain Significance.

Ambry Genetics
Classification: Uncertain significance for Inborn genetic diseases. Last evaluated: 2016-04-25. Review status: criteria provided, single submitter. Criteria: Ambry exome assertion method (8-5-2015). Collection method: clinical testing. Allele origin: germline. Affected: yes. Observed: 1 variant allele.

Literature cited by the submitters: PubMed 20869590 (cited by Ambry Genetics).

NM_001040142.2(SCN2A):c.3734C>T (p.Ala1245Val)

Gene: SCN2A (sodium voltage-gated channel alpha subunit 2; plus strand). Cytogenetic location: 2q24.3.
Variant type: single nucleotide variant.
Coding change: c.3734C>T on transcript NM_001040142.2 (MANE Select); coding-DNA position 3734, C replaced by T.
Protein change: p.Ala1245Val; replaces alanine 1245 with valine.
Molecular consequence: missense variant.
Genome position (GRCh38, 1-based): chr2:165,370,184, C>T. VCF-style: chr2-165370184-C-T. GRCh37 (hg19) VCF-style: chr2-166226694-C-T.
Other names: c.3734C>T, p.Ala1245Val (NM_001040143.2, NM_001371246.1, NM_001371247.1 and 1 more transcripts); short protein forms A1245V.
Identifiers: ClinVar variation 521077 (VCV000521077.9), dbSNP rs768796023, ClinGen allele CA1940167.